The following is an entry in ClinVar:

NM_020832.3(ZNF687):c.2784GGA[1] (p.Glu930del)

Gene: ZNF687 (zinc finger protein 687; plus strand). Cytogenetic location: 1q21.3.
Variant type: Microsatellite.
Coding change: c.2784GGA[1] on transcript NM_020832.3 (MANE Select); one copy of the 3-base unit GGA starting at c.2784; the reference has two copies in a row; one copy, 3 bases deleted.
Protein change: p.Glu930del; deletes glutamic acid 930.
Genome position (GRCh38, 1-based): chr1:151,289,830-151,289,832, GGA deleted; deleting any 3 consecutive bases within chr1:151,289,825-151,289,832 gives the same sequence; the position shown is the placement nearest the transcript's 3' end. VCF-style (leftmost placement, unchanged base first): chr1-151289824-AGAG-A. GRCh37 (hg19) VCF-style: chr1-151262300-AGAG-A.
Other names: c.2784GGA[1], p.Glu930del (NM_001304763.2, NM_001304764.2); short protein forms E930del.
Identifiers: ClinVar variation 3686725 (VCV003686725.2).

ClinVar aggregate classification (germline): Uncertain significance (1 of 4 stars; one submission).

Submission:

Labcorp Genetics (formerly Invitae), Labcorp
Classification: Uncertain significance. Last evaluated: 2025-05-15. Review status: criteria provided, single submitter. Criteria: Invitae Variant Classification Sherloc (09022015). Collection method: clinical testing. Allele origin: germline.
Comment: This variant, c.2787_2789del, results in the deletion of 1 amino acid(s) of the ZNF687 protein (p.Glu930del), but otherwise preserves the integrity of the reading frame. This variant is present in population databases (no rsID available, gnomAD 0.004%). This variant has not been reported in the literature in individuals affected with ZNF687-related conditions. Experimental studies and prediction algorithms are not available or were not evaluated, and the functional significance of this variant is currently unknown. In summary, the available evidence is currently insufficient to determine the role of this variant in disease. Therefore, it has been classified as a Variant of Uncertain Significance.